The following is an entry in ClinVar:

NM_006019.4(TCIRG1):c.631-1G>T

Gene: TCIRG1 (T cell immune regulator 1, ATPase H+ transporting V0 subunit a3; plus strand). Cytogenetic location: 11q13.2.
Variant type: single nucleotide variant.
Coding change: c.631-1G>T on transcript NM_006019.4 (MANE Select); the canonical splice acceptor site of the intron before coding-DNA position 631, G replaced by T.
Molecular consequence: splice acceptor variant.
Genome position (GRCh38, 1-based): chr11:68,043,570, G>T. VCF-style: chr11-68043570-G-T. GRCh37 (hg19) VCF-style: chr11-67811037-G-T.
Other names: c.-280-1G>T (NM_001351059.2); c.-18-1G>T (NM_006053.4).
Identifiers: ClinVar variation 853683 (VCV000853683.9), dbSNP rs1855290865, ClinGen allele CA381578384.
Genomic context (GRCh38, chr11:68,043,570, plus strand): 5'-CGCTGGGCTGGGGGGTCCTGGGCAGAGCGGGACCCCAGAGTCAGCTGAGCCTGCTCTGCA[G>T]GGCGAGCCAGCCACGTGGATGACCTTCCTCATCTCCTACTGGGGTGAGCAGATCGGACAG-3'

ClinVar aggregate classification (germline): Likely pathogenic (1 of 4 stars; one submission).

gnomAD v4.1: 1 of 1,607,922 alleles (0.000062%); no homozygotes.

Submission:

Labcorp Genetics (formerly Invitae), Labcorp
Classification: Likely pathogenic. Last evaluated: 2020-01-01. Review status: criteria provided, single submitter. Criteria: Invitae Variant Classification Sherloc (09022015). Collection method: clinical testing. Allele origin: germline.
Comment: This variant has not been reported in the literature in individuals with TCIRG1-related conditions. This variant is not present in population databases (ExAC no frequency). This sequence change affects an acceptor splice site in intron 6 of the TCIRG1 gene. It is expected to disrupt RNA splicing and likely results in an absent or disrupted protein product. Algorithms developed to predict the effect of sequence changes on RNA splicing suggest that this variant may disrupt the consensus splice site, but this prediction has not been confirmed by published transcriptional studies. In summary, the currently available evidence indicates that the variant is pathogenic, but additional data are needed to prove that conclusively. Therefore, this variant has been classified as Likely Pathogenic. Donor and acceptor splice site variants typically lead to a loss of protein function (PMID: 16199547), and loss-of-function variants in TCIRG1 are known to be pathogenic (PMID: 10888887, 10942435, 11532986, 19448635).

Literature cited by the submitters: PubMed 16199547; PubMed 10888887; PubMed 10942435; PubMed 11532986; PubMed 19448635.